The following is an entry in ClinVar:

ClinVar aggregate classification (germline): Likely pathogenic. Review status: criteria provided, multiple submitters, no conflicts (2 of 4 stars). 2 submissions from 2 submitters: Likely pathogenic (2). Last evaluated 2023-12-05.

Conditions:
Congenital adrenal hyperplasia due to cytochrome P450 oxidoreductase deficiency. Also called: DISORDERED STEROIDOGENESIS DUE TO POR DEFICIENCY. Identifiers: Orphanet 95699, MedGen C1860042, MONDO:0013310, OMIM 613571.
POR-related disorder. Also called: POR-related condition.

Allele frequency attached by ClinVar (database versions not stated): gnomAD exomes below 0.00001 and 0.00002; gnomAD 0.00001; TOPMed 0.00002.
gnomAD v4.1: 29 of 1,605,010 alleles (0.0018%); highest among the groups gnomAD compares: Non-Finnish European, 0.0024%; no homozygotes.

Submissions (2):

Blueprint Genetics
Classification: Likely pathogenic for POR-related disorders. Last evaluated: 2023-12-05. Review status: criteria provided, single submitter. Criteria: ACMG Guidelines, 2015. Collection method: clinical testing. Allele origin: germline. Affected: yes. Observed: 3 variant alleles.

Labcorp Genetics (formerly Invitae), Labcorp
Classification: Likely pathogenic for Congenital adrenal hyperplasia due to cytochrome P450 oxidoreductase deficiency. Last evaluated: 2023-10-26. Review status: criteria provided, single submitter. Criteria: Invitae Variant Classification Sherloc (09022015). Collection method: clinical testing. Allele origin: germline.
Comment: This sequence change affects a donor splice site in intron 2 of the POR gene. It is expected to disrupt RNA splicing. Variants that disrupt the donor or acceptor splice site typically lead to a loss of protein function (PMID: 16199547), and loss-of-function variants in POR are known to be pathogenic (PMID: 14758361, 20732302, 21741353). The frequency data for this variant in the population databases is considered unreliable, as metrics indicate poor data quality at this position in the gnomAD database. This variant has not been reported in the literature in individuals affected with POR-related conditions. ClinVar contains an entry for this variant (Variation ID: 576622). Algorithms developed to predict the effect of sequence changes on RNA splicing suggest that this variant may disrupt the consensus splice site. In summary, the currently available evidence indicates that the variant is pathogenic, but additional data are needed to prove that conclusively. Therefore, this variant has been classified as Likely Pathogenic.

Literature cited by the submitters: PubMed 16199547 (cited by Labcorp Genetics (formerly Invitae), Labcorp); PubMed 14758361 (cited by Labcorp Genetics (formerly Invitae), Labcorp); PubMed 20732302 (cited by Labcorp Genetics (formerly Invitae), Labcorp); PubMed 21741353 (cited by Labcorp Genetics (formerly Invitae), Labcorp).

NM_001395413.1(POR):c.179+2T>C

Gene: POR (cytochrome p450 oxidoreductase; plus strand). Cytogenetic location: 7q11.23.
Variant type: single nucleotide variant.
Coding change: c.179+2T>C on transcript NM_001395413.1 (MANE Select); the canonical splice donor site of the intron after coding-DNA position 179, T replaced by C.
Molecular consequence: splice donor variant.
Genome position (GRCh38, 1-based): chr7:75,954,182, T>C. VCF-style: chr7-75954182-T-C. GRCh37 (hg19) VCF-style: chr7-75583500-T-C.
Other names: c.179+2T>C (NM_001382662.3, NM_001382659.3, NM_001367562.3 and 3 more transcripts).
Identifiers: ClinVar variation 576622 (VCV000576622.8), dbSNP rs936203749, ClinGen allele CA160922712.